The following is an entry in ClinVar:

ClinVar aggregate classification (germline): Uncertain significance (1 of 4 stars; one submission).

Allele frequency attached by ClinVar (database versions not stated): TOPMed below 0.00001.

Submission:

Ambry Genetics
Classification: Uncertain significance. Last evaluated: 2025-05-02. Review status: criteria provided, single submitter. Criteria: Ambry Variant Classification Scheme 2023. Collection method: clinical testing. Allele origin: germline.
Comment: The p.E30G variant (also known as c.89A>G), located in coding exon 2 of the RECQL gene, results from an A to G substitution at nucleotide position 89. The glutamic acid at codon 30 is replaced by glycine, an amino acid with similar properties. This amino acid position is conserved. In addition, the in silico prediction for this alteration is inconclusive. Since supporting evidence is limited at this time, the clinical significance of this alteration remains unclear.

NM_002907.4(RECQL):c.89A>G (p.Glu30Gly)

Gene: RECQL (RecQ like helicase; minus strand). Cytogenetic location: 12p12.1.
Variant type: single nucleotide variant.
Coding change: c.89A>G on transcript NM_002907.4 (MANE Select); coding-DNA position 89, A replaced by G.
Protein change: p.Glu30Gly; replaces glutamic acid 30 with glycine.
Molecular consequence: missense variant.
Genome position (GRCh38, 1-based): chr12:21,491,644, T>C on the plus strand (A>G on the coding strand, the complement: RECQL is on the minus strand). VCF-style: chr12-21491644-T-C. GRCh37 (hg19) VCF-style: chr12-21644578-T-C.
Other names: c.89A>G, p.Glu30Gly (NM_032941.3); short protein forms E30G.
Identifiers: ClinVar variation 2288053 (VCV002288053.3), dbSNP rs905340106, ClinGen allele CA233583952.